The following is an entry in ClinVar:

ClinVar aggregate classification (germline): Pathogenic (1 of 4 stars; one submission).

gnomAD v4.1: 2 of 1,587,360 alleles (0.00013%); highest among the groups gnomAD compares: Non-Finnish European, 0.00017%; no homozygotes.

Submission:

Labcorp Genetics (formerly Invitae), Labcorp
Classification: Pathogenic. Last evaluated: 2025-11-11. Review status: criteria provided, single submitter. Criteria: Invitae Variant Classification Sherloc (09022015). Collection method: clinical testing. Allele origin: germline.
Comment: This sequence change affects an acceptor splice site in intron 15 of the MYO5B gene. It is expected to disrupt RNA splicing. Variants that disrupt the donor or acceptor splice site typically lead to a loss of protein function (PMID: 16199547), and loss-of-function variants in MYO5B are known to be pathogenic (PMID: 18724368, 20186687). This variant is not present in population databases (gnomAD no frequency). Disruption of this splice site has been observed in individual(s) with microvillus inclusion disease (PMID: 25517957). Algorithms developed to predict the effect of sequence changes on RNA splicing suggest that this variant may disrupt the consensus splice site. For these reasons, this variant has been classified as Pathogenic.

Literature cited by the submitters: PubMed 16199547; PubMed 18724368; PubMed 20186687; PubMed 25517957.

NM_001080467.3(MYO5B):c.1906-1G>T

Gene: MYO5B (myosin VB; minus strand). Cytogenetic location: 18q21.1.
Variant type: single nucleotide variant.
Coding change: c.1906-1G>T on transcript NM_001080467.3 (MANE Select); the canonical splice acceptor site of the intron before coding-DNA position 1906, G replaced by T.
Molecular consequence: splice acceptor variant.
Genome position (GRCh38, 1-based): chr18:49,936,350, C>A on the plus strand (G>T on the coding strand, the complement: MYO5B is on the minus strand). VCF-style: chr18-49936350-C-A. GRCh37 (hg19) VCF-style: chr18-47462720-C-A.
Identifiers: ClinVar variation 4730989 (VCV004730989.1).